The following is an entry in ClinVar:

ClinVar aggregate classification (germline): Uncertain significance (1 of 4 stars; one submission).

Conditions:
Thrombophilia due to protein S deficiency, autosomal recessive (THPH6). Identifiers: Orphanet 743, MedGen C3281092, MONDO:0013791, OMIM 614514. Disease mechanism: loss of function.

gnomAD v4.1: 1 of 1,613,658 alleles (0.000062%); highest among the groups gnomAD compares: Non-Finnish European, 0.000085%; no homozygotes.

Submission:

Labcorp Genetics (formerly Invitae), Labcorp
Classification: Uncertain significance for Thrombophilia due to protein S deficiency, autosomal recessive. Last evaluated: 2024-01-04. Review status: criteria provided, single submitter. Criteria: Invitae Variant Classification Sherloc (09022015). Collection method: clinical testing. Allele origin: germline.
Comment: This sequence change replaces isoleucine, which is neutral and non-polar, with threonine, which is neutral and polar, at codon 359 of the PROS1 protein (p.Ile359Thr). This variant is not present in population databases (gnomAD no frequency). This variant has not been reported in the literature in individuals affected with PROS1-related conditions. Advanced modeling of protein sequence and biophysical properties (such as structural, functional, and spatial information, amino acid conservation, physicochemical variation, residue mobility, and thermodynamic stability) performed at Invitae indicates that this missense variant is not expected to disrupt PROS1 protein function with a negative predictive value of 80%. In summary, the available evidence is currently insufficient to determine the role of this variant in disease. Therefore, it has been classified as a Variant of Uncertain Significance.

NM_000313.4(PROS1):c.1076T>C (p.Ile359Thr)

Gene: PROS1 (protein S; minus strand). Cytogenetic location: 3q11.1.
Variant type: single nucleotide variant.
Coding change: c.1076T>C on transcript NM_000313.4 (MANE Select); coding-DNA position 1076, T replaced by C.
Protein change: p.Ile359Thr; replaces isoleucine 359 with threonine.
Molecular consequence: missense variant.
Genome position (GRCh38, 1-based): chr3:93,893,012, A>G on the plus strand (T>C on the coding strand, the complement: PROS1 is on the minus strand). VCF-style: chr3-93893012-A-G. GRCh37 (hg19) VCF-style: chr3-93611856-A-G.
Other names: c.1172T>C, p.Ile391Thr (NM_001314077.2); short protein forms I359T, I391T.
Identifiers: ClinVar variation 3614453 (VCV003614453.2).
Genomic context (GRCh38, chr3:93,893,012, plus strand): 5'-TTAATAACATCACCTCCAGTTGTGATTTTGGATGTATGTTCATTCTTAAGCTGAACTTCA[A>G]TCTTTCCACCACGAAGTGCAATCAGGAGCCACGCTGAGTGATCGATAGATTCTGCGTACA-3'
Protein context (NP_000304.2, residues 349-369): WLLIALRGGK[Ile359Thr]EVQLKNEHTS